The following is an entry in ClinVar:

NM_032638.5(GATA2):c.769_778dup (p.Tyr260fs)

Gene: GATA2 (GATA binding protein 2; minus strand). Cytogenetic location: 3q21.3.
Variant type: Duplication.
Coding change: c.769_778dup on transcript NM_032638.5 (MANE Select); coding-DNA positions 769 to 778, 10 bases duplicated (GCCCACGACT; older notation c.769_778dupGCCCACGACT).
Protein change: p.Tyr260fs; shifts the reading frame from tyrosine 260.
Molecular consequence: frameshift variant.
Genome position (GRCh38, 1-based): chr3:128,485,820-128,485,829, AGTCGTGGGC duplicated on the plus strand (GCCCACGACT on the coding strand, the reverse complement: GATA2 is on the minus strand); duplicating any 10 consecutive bases within chr3:128,485,820-128,485,831 gives the same sequence; the c. name uses the placement nearest the transcript's 3' end. VCF-style (leftmost placement, unchanged base first): chr3-128485819-T-TAGTCGTGGGC. GRCh37 (hg19) VCF-style: chr3-128204662-T-TAGTCGTGGGC.
Other names: c.769_778dup, p.Tyr260fs (NM_001145661.2, NM_001145662.1); short protein forms Y260fs.
Identifiers: ClinVar variation 1184232 (VCV001184232.1), dbSNP rs2107671965, ClinGen allele CA1139532794.

ClinVar aggregate classification (germline): Pathogenic (1 of 4 stars; one submission).

Conditions:
Deafness-lymphedema-leukemia syndrome. Also called: Emberger syndrome; Lymphedema, primary, with myelodysplasia. Identifiers: Orphanet 3226, MedGen C3279664, MONDO:0013540, OMIM 614038.
GATA2 deficiency with susceptibility to MDS/AML. Identifiers: MedGen CN300066, MONDO:0042982.

Submission:

Molecular Pathology Research Laboratory, SA Pathology
Classification: Pathogenic for GATA2 deficiency with susceptibility to MDS/AML; Deafness-lymphedema-leukemia syndrome. Last evaluated: 2021-07-06. Review status: criteria provided, single submitter. Criteria: ACMG Guidelines, 2015. Collection method: curation. Allele origin: germline. Inheritance: Autosomal dominant inheritance. Affected: yes. Observed: 1 variant allele.
Comment: PVS1, PS4_Supporting, PM2

Literature cited by the submitters: PubMed 24227816; PubMed 25359990; PubMed 21670465; PubMed 21892162; PubMed 8701948; PubMed 23502222; PubMed 24077845; PubMed 21816832.